The following is an entry in ClinVar:

NM_000388.4(CASR):c.2860C>T (p.Gln954Ter)

Gene: CASR (calcium sensing receptor; plus strand). Cytogenetic location: 3q21.1.
Variant type: single nucleotide variant.
Coding change: c.2860C>T on transcript NM_000388.4 (MANE Select); coding-DNA position 2860, C replaced by T.
Protein change: p.Gln954Ter; replaces glutamine 954 with a stop codon.
Molecular consequence: nonsense.
Genome position (GRCh38, 1-based): chr3:122,284,814, C>T. VCF-style: chr3-122284814-C-T. GRCh37 (hg19) VCF-style: chr3-122003661-C-T.
Other names: c.2890C>T, p.Gln964Ter (NM_001178065.2); short protein forms Q954*, Q964*.
Identifiers: ClinVar variation 3773769 (VCV003773769.1).

ClinVar aggregate classification (germline): Uncertain significance (1 of 4 stars; one submission).

Conditions:
Familial hypocalciuric hypercalcemia 1. Also called: Hypercalcemia, familial benign type 1. Identifiers: Orphanet 405, Orphanet 93372, MedGen C0342637, MONDO:0007791, OMIM 145980.

Submission:

Molecular Genetics, Royal Melbourne Hospital
Classification: Uncertain significance for Familial hypocalciuric hypercalcemia 1. Last evaluated: 2024-09-08. Review status: criteria provided, single submitter. Criteria: ACMG Guidelines, 2015. Collection method: clinical testing. Allele origin: germline. Inheritance: Autosomal dominant inheritance.
Comment: This sequence change in CASR is a nonsense variant predicted to create a premature stop codon, p.(Gln954*), in biologically relevant exon 7 of 7. This nonsense variant is predicted to escape nonsense-mediated decay, removing approximately 11% of the protein (removes amino acids 954-1079). The affected region of the protein is not known to include a critical residue. This variant is absent from the population database gnomAD v4.1. This variant is novel and has not been previously reported in the relevant scientific literature or databases. Based on the classification scheme RMH Modified ACMG/AMP Guidelines v1.7.0, this variant is classified as a VARIANT OF UNCERTAIN SIGNIFICANCE. Following criteria are met: PVS1_Moderate, PM2_Supporting.